The following is an entry in ClinVar:

ClinVar aggregate classification (germline): Pathogenic (1 of 4 stars; one submission).

Conditions:
Tuberous sclerosis 2 (TSC2). Identifiers: Orphanet 805, MedGen C1860707, MONDO:0013199, OMIM 613254.

Submission:

Labcorp Genetics (formerly Invitae), Labcorp
Classification: Pathogenic for Tuberous sclerosis 2. Last evaluated: 2022-10-23. Review status: criteria provided, single submitter. Criteria: Invitae Variant Classification Sherloc (09022015). Collection method: clinical testing. Allele origin: germline.
Comment: For these reasons, this variant has been classified as Pathogenic. This variant disrupts a region of the TSC2 protein in which other variant(s) (p.Leu493Val) have been determined to be pathogenic (PMID: 12111193, 22903760, 29500070; Invitae). This suggests that this is a clinically significant region of the protein, and that variants that disrupt it are likely to be disease-causing. This variant has not been reported in the literature in individuals affected with TSC2-related conditions. This variant is a gross deletion of the genomic region encompassing exon(s) 13-16 of the TSC2 gene. This variant would be expected to be in-frame, preserving the integrity of the reading frame.

Literature cited by the submitters: PubMed 12111193; PubMed 22903760; PubMed 29500070.

NC_000016.9:g.(?_2112478)_(2115656_?)del

Gene: TSC2 (TSC complex subunit 2; plus strand). Cytogenetic location: 16p13.3.
Variant type: Deletion.
Identifiers: ClinVar variation 2423288 (VCV002423288.4).